The following is an entry in ClinVar:

NM_031935.3(HMCN1):c.4417C>A (p.Leu1473Ile)

Gene: HMCN1 (hemicentin 1; plus strand). Cytogenetic location: 1q31.1.
Variant type: single nucleotide variant.
Coding change: c.4417C>A on transcript NM_031935.3 (MANE Select); coding-DNA position 4417, C replaced by A.
Protein change: p.Leu1473Ile; replaces leucine 1473 with isoleucine.
Molecular consequence: missense variant.
Genome position (GRCh38, 1-based): chr1:186,003,786, C>A. VCF-style: chr1-186003786-C-A. GRCh37 (hg19) VCF-style: chr1-185972918-C-A.
Other names: short protein forms L1473I.
Identifiers: ClinVar variation 3611268 (VCV003611268.2).

ClinVar aggregate classification (germline): Uncertain significance (1 of 4 stars; one submission).

gnomAD v4.1: 2 of 1,612,742 alleles (0.00012%); highest among the groups gnomAD compares: African/African-American, 0.0027%; no homozygotes.

Submission:

Labcorp Genetics (formerly Invitae), Labcorp
Classification: Uncertain significance. Last evaluated: 2024-06-30. Review status: criteria provided, single submitter. Criteria: Invitae Variant Classification Sherloc (09022015). Collection method: clinical testing. Allele origin: germline.
Comment: This sequence change replaces leucine, which is neutral and non-polar, with isoleucine, which is neutral and non-polar, at codon 1473 of the HMCN1 protein (p.Leu1473Ile). This variant is not present in population databases (gnomAD no frequency). This variant has not been reported in the literature in individuals affected with HMCN1-related conditions. An algorithm developed to predict the effect of missense changes on protein structure and function (PolyPhen-2) suggests that this variant is likely to be disruptive. In summary, the available evidence is currently insufficient to determine the role of this variant in disease. Therefore, it has been classified as a Variant of Uncertain Significance.